The following is an entry in ClinVar:

ClinVar aggregate classification (germline): Conflicting classifications of pathogenicity. Review status: criteria provided, conflicting classifications (1 of 4 stars). 4 submissions from 4 submitters: Likely pathogenic (2); Uncertain significance (2). Last evaluated 2026-01-15.

Conditions:
Breast-ovarian cancer, familial, susceptibility to, 3. Also called: RAD51C-Related Breast/Ovarian Cancer. Identifiers: Orphanet 145, MedGen C3150659, MONDO:0013253, OMIM 613399.
Fanconi anemia complementation group O. Also called: RAD51C-Related Fanconi Anemia. Identifiers: Orphanet 84, MedGen C3150653, MONDO:0013248, OMIM 613390.
Hereditary cancer-predisposing syndrome. Also called: Hereditary neoplastic syndrome; Neoplastic Syndromes, Hereditary; Tumor predisposition; Hereditary Cancer Syndrome. Identifiers: Orphanet 140162, MedGen C0027672, MeSH D009386, MONDO:0015356.

Submissions (4):

Labcorp Genetics (formerly Invitae), Labcorp
Classification: Uncertain significance for Fanconi anemia complementation group O. Last evaluated: 2026-01-15. Review status: criteria provided, single submitter. Criteria: Invitae Variant Classification Sherloc (09022015). Collection method: clinical testing. Allele origin: germline.
Comment: This sequence change replaces phenylalanine, which is neutral and non-polar, with serine, which is neutral and polar, at codon 164 of the RAD51C protein (p.Phe164Ser). This variant is not present in population databases (gnomAD no frequency). This missense change has been observed in individual(s) with ovarian cancer (PMID: 36562461). ClinVar contains an entry for this variant (Variation ID: 409845). Invitae Evidence Modeling of protein sequence and biophysical properties (such as structural, functional, and spatial information, amino acid conservation, physicochemical variation, residue mobility, and thermodynamic stability) indicates that this missense variant is expected to disrupt RAD51C protein function with a positive predictive value of 80%. Experimental studies have shown that this missense change affects RAD51C function (PMID: 36562461, 39299233). In summary, the available evidence is currently insufficient to determine the role of this variant in disease. Therefore, it has been classified as a Variant of Uncertain Significance.

Ambry Genetics
Classification: Likely pathogenic for Hereditary cancer-predisposing syndrome. Last evaluated: 2025-09-05. Review status: criteria provided, single submitter. Criteria: Ambry Variant Classification Scheme 2023. Collection method: clinical testing. Allele origin: germline.
Comment: The p.F164S variant (also known as c.491T>C), located in coding exon 3 of the RAD51C gene, results from a T to C substitution at nucleotide position 491. The phenylalanine at codon 164 is replaced by serine, an amino acid with highly dissimilar properties. In multiple assays testing RAD51C function, this variant showed functionally abnormal results (Kolinjivadi AM et al, Hum Mol Genet 2023 Apr;32(8):1401-1409; Olvera-Le&oacute;n R et al, Cell 2024 Oct;187(20):5719-5734.e19). This amino acid position is highly conserved in available vertebrate species. In addition, this alteration is predicted to be deleterious by in silico analysis. This variant is considered to be rare based on population cohorts in the Genome Aggregation Database (gnomAD). Based on the majority of available evidence to date, this variant is likely to be pathogenic.

Myriad Genetics, Inc.
Classification: Likely pathogenic for Breast-ovarian cancer, familial, susceptibility to, 3. Last evaluated: 2024-12-04. Review status: criteria provided, single submitter. Criteria: Myriad Autosomal Dominant, Autosomal Recessive and X-Linked Classification Criteria (2023). Collection method: clinical testing. Allele origin: unknown.
Comment: This variant is considered likely pathogenic. Functional studies indicate this variant impacts protein function [PMID: 39299233, 36562461]. This variant is expected to disrupt protein structure [Myriad internal data].

Color Diagnostics, LLC DBA Color Health
Classification: Uncertain significance for Hereditary cancer-predisposing syndrome. Last evaluated: 2023-12-05. Review status: criteria provided, single submitter. Criteria: ACMG Guidelines, 2015. Collection method: clinical testing. Allele origin: germline.
Comment: This missense variant replaces phenylalanine with serine at codon 164 of the RAD51C protein. Computational prediction suggests that this variant may have deleterious impact on protein structure and function (internally defined REVEL score threshold >= 0.7, PMID: 27666373). To our knowledge, functional studies have not been reported for this variant. This variant has not been reported in individuals affected with RAD51C-related disorders in the literature. This variant has not been identified in the general population by the Genome Aggregation Database (gnomAD). The available evidence is insufficient to determine the role of this variant in disease conclusively. Therefore, this variant is classified as a Variant of Uncertain Significance.

Literature cited by the submitters: PubMed 36562461 (cited by Labcorp Genetics (formerly Invitae), Labcorp and Myriad Genetics, Inc.); PubMed 39299233 (cited by Labcorp Genetics (formerly Invitae), Labcorp and Myriad Genetics, Inc.).

NM_058216.3(RAD51C):c.491T>C (p.Phe164Ser)

Gene: RAD51C (RAD51 paralog C; plus strand). Cytogenetic location: 17q22.
Variant type: single nucleotide variant.
Coding change: c.491T>C on transcript NM_058216.3 (MANE Select); coding-DNA position 491, T replaced by C.
Protein change: p.Phe164Ser; replaces phenylalanine 164 with serine.
Molecular consequence: missense variant.
Genome position (GRCh38, 1-based): chr17:58,696,779, T>C. VCF-style: chr17-58696779-T-C. GRCh37 (hg19) VCF-style: chr17-56774140-T-C.
Other names: short protein forms F164S.
Identifiers: ClinVar variation 409845 (VCV000409845.24), dbSNP rs1060502589, ClinGen allele CA16615463.